The following is an entry in ClinVar:

ClinVar aggregate classification (germline): Conflicting classifications of pathogenicity. Review status: criteria provided, conflicting classifications (1 of 4 stars). 3 submissions from 3 submitters: Uncertain significance (2); Benign (1). Last evaluated 2025-08-24.

Conditions:
Hereditary cancer-predisposing syndrome. Also called: Hereditary neoplastic syndrome; Neoplastic Syndromes, Hereditary; Hereditary Cancer Syndrome; Tumor predisposition. Identifiers: Orphanet 140162, MedGen C0027672, MeSH D009386, MONDO:0015356.
Tuberous sclerosis 2 (TSC2). Identifiers: Orphanet 805, MedGen C1860707, MONDO:0013199, OMIM 613254.
Tuberous sclerosis syndrome (TSC). Also called: Tuberous sclerosis; Tuberous Sclerosis Complex. Identifiers: Orphanet 805, MedGen C0041341, MONDO:0001734.

Allele frequency attached by ClinVar (database versions not stated): gnomAD exomes below 0.00001; ExAC 0.00001.

Submissions (3):

Color Diagnostics, LLC DBA Color Health
Classification: Uncertain significance for Tuberous sclerosis syndrome. Last evaluated: 2025-08-24. Review status: criteria provided, single submitter. Criteria: ACMG Guidelines, 2015. Collection method: clinical testing. Allele origin: germline.
Comment: This missense variant replaces serine with phenylalanine at codon 1002 of the TSC2 protein. Computational prediction is inconclusive regarding the impact of this variant on protein structure and function. To our knowledge, functional studies have not been reported for this variant. This variant has not been reported in individuals affected with TSC2-related disorders in the literature. This variant has been identified in 1/250464 chromosomes in the general population by the Genome Aggregation Database (gnomAD). The available evidence is insufficient to determine the role of this variant in disease conclusively. Therefore, this variant is classified as a Variant of Uncertain Significance.

Labcorp Genetics (formerly Invitae), Labcorp
Classification: Benign for Tuberous sclerosis 2. Last evaluated: 2024-06-30. Review status: criteria provided, single submitter. Criteria: Invitae Variant Classification Sherloc (09022015). Collection method: clinical testing. Allele origin: germline.

Ambry Genetics
Classification: Uncertain significance for Hereditary cancer-predisposing syndrome. Last evaluated: 2024-02-10. Review status: criteria provided, single submitter. Criteria: Ambry Variant Classification Scheme 2023. Collection method: clinical testing. Allele origin: germline.
Comment: The p.S1002F variant (also known as c.3005C>T), located in coding exon 26 of the TSC2 gene, results from a C to T substitution at nucleotide position 3005. The serine at codon 1002 is replaced by phenylalanine, an amino acid with highly dissimilar properties. This amino acid position is conserved. In addition, this alteration is predicted to be deleterious by in silico analysis. Based on the available evidence, the clinical significance of this alteration remains unclear.

NM_000548.5(TSC2):c.3005C>T (p.Ser1002Phe)

Gene: TSC2 (TSC complex subunit 2; plus strand). Cytogenetic location: 16p13.3.
Variant type: single nucleotide variant.
Coding change: c.3005C>T on transcript NM_000548.5 (MANE Select); coding-DNA position 3005, C replaced by T.
Protein change: p.Ser1002Phe; replaces serine 1002 with phenylalanine.
Molecular consequence: missense variant.
Genome position (GRCh38, 1-based): chr16:2,079,070, C>T. VCF-style: chr16-2079070-C-T. GRCh37 (hg19) VCF-style: chr16-2129071-C-T.
Other names: c.2873C>T, p.Ser958Phe (NM_001077183.3, NM_001370404.1); c.3005C>T, p.Ser1002Phe (NM_001114382.3); c.2765C>T, p.Ser922Phe (NM_001318827.2); c.2729C>T, p.Ser910Phe (NM_001318829.2); c.2273C>T, p.Ser758Phe (NM_001318831.2); c.2906C>T, p.Ser969Phe (NM_001318832.2); c.2876C>T, p.Ser959Phe (NM_001363528.2, NM_001370405.1, NM_021055.3); short protein forms S1002F, S910F, S969F, S922F, S958F, S959F, S758F.
Identifiers: ClinVar variation 570889 (VCV000570889.10), dbSNP rs748261129, ClinGen allele CA043825.